The following is an entry in ClinVar:

NM_000039.3(APOA1):c.178T>G (p.Ser60Ala)

Genes: APOA1 (apolipoprotein A1; minus strand), APOA1-AS (APOA1 antisense RNA; plus strand). Cytogenetic location: 11q23.3.
Variant type: single nucleotide variant.
Coding change: c.178T>G on transcript NM_000039.3 (MANE Select); coding-DNA position 178, T replaced by G.
Protein change: p.Ser60Ala; replaces serine 60 with alanine.
Molecular consequence: missense variant.
Genome position (GRCh38, 1-based): chr11:116,837,023, A>C on the plus strand (T>G on the coding strand, the complement: APOA1 is on the minus strand). VCF-style: chr11-116837023-A-C. GRCh37 (hg19) VCF-style: chr11-116707739-A-C.
Other names: c.178T>G, p.Ser60Ala (NM_001318017.2, NM_001318018.2); c.-150T>G (NM_001318021.2); c.178T>G (NM_000039.2); short protein forms S60A.
Identifiers: ClinVar variation 879223 (VCV000879223.18), dbSNP rs199759119, ClinGen allele CA6289877.

ClinVar aggregate classification (germline): Conflicting classifications of pathogenicity. Review status: criteria provided, conflicting classifications (1 of 4 stars). 6 submissions from 6 submitters: Uncertain significance (5); Likely benign (1). Last evaluated 2026-05-11.

Conditions:
Cardiovascular phenotype. Identifiers: MedGen CN230736.
Familial amyloid polyneuropathy, Iowa type (AMYLD3). Also called: Familial amyloid polyneuropathy type III; AMYLOIDOSIS, HEREDITARY SYSTEMIC 3; AMYLOIDOSIS, IOWA TYPE; AMYLOIDOSIS, VAN ALLEN TYPE; AMYLOIDOSIS, TYPE III; AMYLOIDOSIS, TYPE IV. Identifiers: MedGen C4551500, MONDO:0971008, OMIM 620657.
Hypoalphalipoproteinemia, primary, 2, intermediate. Also called: HYPOALPHALIPOPROTEINEMIA, PRIMARY, 2, AUTOSOMAL DOMINANT. Identifiers: MedGen C5677030, MONDO:0859238, OMIM 619836.
Hypoalphalipoproteinemia, primary, 2. Also called: HIGH DENSITY LIPOPROTEIN DEFICIENCY; HYPOALPHALIPOPROTEINEMIA, PRIMARY, 2, AUTOSOMAL RECESSIVE. Identifiers: MedGen C5551172, MONDO:0032766, OMIM 618463.

Allele frequency attached by ClinVar (database versions not stated): gnomAD 0.00043 and 0.00041; ESP Exome Variant Server 0.00054; TOPMed 0.00051.
gnomAD v4.1: 1,103 of 1,614,034 alleles (0.068%); highest among the groups gnomAD compares: Non-Finnish European, 0.087%; 2 homozygotes.

Submissions (6):

Women's Health and Genetics/Laboratory Corporation of America, LabCorp
Classification: Uncertain significance. Last evaluated: 2026-05-11. Review status: criteria provided, single submitter. Criteria: LabCorp Variant Classification Summary - May 2015. Collection method: clinical testing. Allele origin: germline.
Comment: Variant summary: APOA1 c.178T>G (p.Ser60Ala) results in a conservative amino acid change in the encoded protein sequence. Algorithms developed to predict the effect of missense changes on protein structure and function are either unavailable or do not agree on the potential impact of this missense change. The variant allele was found at a frequency of 0.00033 in 251316 control chromosomes. This frequency is not significantly higher than estimated for disease-causing variants in APOA1, allowing no conclusion about variant significance. c.178T>G has been observed in individuals affected with APOA1-Related Disorders and in individuals from low level high-density lipoprotein cholesterol (HDL-C)cohort studies (Kiss_2007, Weers_2011, Rowcenio_2011, Haase_2012, Morrison_2013, Morrison_2013, Geller_2018, Dron_2020, Dong_2022). These reports do not provide unequivocal conclusions about association of the variant with APOA1-Related Disorders. At least one publication reports experimental evidence evaluating an impact on protein function, however, does not allow convincing conclusions about the variant effect (Weers_2011). The following publications have been ascertained in the context of this evaluation (PMID: 35460704, 32041611, 30333156, 25972569, 17303779, 23770607, 21820994, 20884842). ClinVar contains an entry for this variant (Variation ID: 879223). Based on the evidence outlined above, the variant was classified as uncertain significance.

Labcorp Genetics (formerly Invitae), Labcorp
Classification: Uncertain significance. Last evaluated: 2026-01-28. Review status: criteria provided, single submitter. Criteria: Invitae Variant Classification Sherloc (09022015). Collection method: clinical testing. Allele origin: germline.
Comment: This sequence change replaces serine, which is neutral and polar, with alanine, which is neutral and non-polar, at codon 60 of the APOA1 protein (p.Ser60Ala). This variant is present in population databases (rs199759119, gnomAD 0.06%). This missense change has been observed in individual(s) with APOA1-related disease (PMID: 17303779, 20884842, 21820994, 30333156, 32041611). This variant is also known as S36A. ClinVar contains an entry for this variant (Variation ID: 879223). Invitae Evidence Modeling of protein sequence and biophysical properties (such as structural, functional, and spatial information, amino acid conservation, physicochemical variation, residue mobility, and thermodynamic stability) has been performed for this missense variant. However, the output from this modeling did not meet the statistical confidence thresholds required to predict the impact of this variant on APOA1 protein function. Experimental studies have shown that this missense change affects APOA1 function (PMID: 20884842). In summary, the available evidence is currently insufficient to determine the role of this variant in disease. Therefore, it has been classified as a Variant of Uncertain Significance.

Genetic Services Laboratory, University of Chicago
Classification: Uncertain significance. Last evaluated: 2024-09-17. Review status: criteria provided, single submitter. Criteria: ACMG Guidelines, 2015. Collection method: clinical testing. Allele origin: germline. Affected: no.
Comment: DNA sequence analysis of the APOA1 gene demonstrated a sequence change, c.178T>G, in exon 3 that results in an amino acid change, p.Ser60Ala. This sequence change has been described in the gnomAD database with a frequency of 0.06% in the European subpopulation (dbSNP rs199759119). The p.Ser60Ala change affects a moderately conserved amino acid residue located in a domain of the APOA1 protein that is not known to be functional. In-silico pathogenicity prediction tools (SIFT, PolyPhen2, Align GVGD, REVEL) provide contradictory results for the p.Ser60Ala substitution. This sequence change, also reported as p.Ser36Ala in the literature, has been identified in individuals with APOA1-related disorders (PMID: 21820994, 30333156). Due to insufficient evidences and the lack of functional studies, the clinical significance of the p.Ser60Ala change remains unknown at this time.

Fulgent Genetics
Classification: Uncertain significance for Hypoalphalipoproteinemia, primary, 2; Hypoalphalipoproteinemia, primary, 2, intermediate; Familial amyloid polyneuropathy, Iowa type. Last evaluated: 2024-02-07. Review status: criteria provided, single submitter. Criteria: ACMG Guidelines, 2015. Collection method: clinical testing. Allele origin: germline.

GeneDx
Classification: Uncertain significance. Last evaluated: 2024-01-23. Review status: criteria provided, single submitter. Criteria: GeneDx Variant Classification Process June 2021. Collection method: clinical testing. Allele origin: germline. Affected: yes.
Comment: Published functional studies suggest a damaging effect on APOA1 activity (PMID: 20884842); In silico analysis supports that this missense variant does not alter protein structure/function; This variant is associated with the following publications: (PMID: 17303779, 21820994, 23209431, 23770607, 30333156, 34426522, 20884842, 32041611)

Ambry Genetics
Classification: Likely benign for Cardiovascular phenotype. Last evaluated: 2022-12-19. Review status: criteria provided, single submitter. Criteria: Ambry Variant Classification Scheme 2023. Collection method: clinical testing. Allele origin: germline.

Literature cited by the submitters: PubMed 17303779 (cited by Women's Health and Genetics/Laboratory Corporation of America, LabCorp and Labcorp Genetics (formerly Invitae), Labcorp); PubMed 23770607 (cited by Women's Health and Genetics/Laboratory Corporation of America, LabCorp); PubMed 30333156 (cited by Women's Health and Genetics/Laboratory Corporation of America, LabCorp and Labcorp Genetics (formerly Invitae), Labcorp); PubMed 21820994 (cited by Women's Health and Genetics/Laboratory Corporation of America, LabCorp and Labcorp Genetics (formerly Invitae), Labcorp); PubMed 32041611 (cited by Women's Health and Genetics/Laboratory Corporation of America, LabCorp and Labcorp Genetics (formerly Invitae), Labcorp); PubMed 35460704 (cited by Women's Health and Genetics/Laboratory Corporation of America, LabCorp); PubMed 25972569 (cited by Women's Health and Genetics/Laboratory Corporation of America, LabCorp); PubMed 20884842 (cited by Women's Health and Genetics/Laboratory Corporation of America, LabCorp and Labcorp Genetics (formerly Invitae), Labcorp).